The following is an entry in ClinVar:

ClinVar aggregate classification (germline): Uncertain significance (1 of 4 stars; one submission).

Conditions:
Short-rib thoracic dysplasia 10 with or without polydactyly (SRTD10). Identifiers: Orphanet 474, MedGen C3810175, MONDO:0014284, OMIM 615630.
Retinitis pigmentosa 71 (RP71). Identifiers: Orphanet 791, MedGen C4225342, MONDO:0014618, OMIM 616394.

Submission:

Labcorp Genetics (formerly Invitae), Labcorp
Classification: Uncertain significance for Retinitis pigmentosa 71; Short-rib thoracic dysplasia 10 with or without polydactyly. Last evaluated: 2022-08-09. Review status: criteria provided, single submitter. Criteria: Invitae Variant Classification Sherloc (09022015). Collection method: clinical testing. Allele origin: germline.
Comment: In summary, the available evidence is currently insufficient to determine the role of this variant in disease. Therefore, it has been classified as a Variant of Uncertain Significance. Algorithms developed to predict the effect of missense changes on protein structure and function are either unavailable or do not agree on the potential impact of this missense change (SIFT: "Deleterious"; PolyPhen-2: "Probably Damaging"; Align-GVGD: "Class C0"). ClinVar contains an entry for this variant (Variation ID: 1034559). This variant has not been reported in the literature in individuals affected with IFT172-related conditions. This variant is not present in population databases (gnomAD no frequency). This sequence change replaces tryptophan, which is neutral and slightly polar, with arginine, which is basic and polar, at codon 1503 of the IFT172 protein (p.Trp1503Arg).

NM_015662.3(IFT172):c.4507T>C (p.Trp1503Arg)

Gene: IFT172 (intraflagellar transport 172; minus strand). Cytogenetic location: 2p23.3.
Variant type: single nucleotide variant.
Coding change: c.4507T>C on transcript NM_015662.3 (MANE Select); coding-DNA position 4507, T replaced by C.
Protein change: p.Trp1503Arg; replaces tryptophan 1503 with arginine.
Molecular consequence: missense variant.
Genome position (GRCh38, 1-based): chr2:27,447,844, A>G on the plus strand (T>C on the coding strand, the complement: IFT172 is on the minus strand). VCF-style: chr2-27447844-A-G. GRCh37 (hg19) VCF-style: chr2-27670711-A-G.
Other names: short protein forms W1503R.
Identifiers: ClinVar variation 1034559 (VCV001034559.10), dbSNP rs1665288911, ClinGen allele CA346417269.